The following is an entry in ClinVar:

NM_000393.5(COL5A2):c.16G>T (p.Ala6Ser)

Gene: COL5A2 (collagen type V alpha 2 chain; minus strand). Cytogenetic location: 2q32.2.
Variant type: single nucleotide variant.
Coding change: c.16G>T on transcript NM_000393.5 (MANE Select); coding-DNA position 16, G replaced by T.
Protein change: p.Ala6Ser; replaces alanine 6 with serine.
Molecular consequence: missense variant.
Genome position (GRCh38, 1-based): chr2:189,179,589, C>A on the plus strand (G>T on the coding strand, the complement: COL5A2 is on the minus strand). VCF-style: chr2-189179589-C-A. GRCh37 (hg19) VCF-style: chr2-190044315-C-A.
Other names: short protein forms A6S.
Identifiers: ClinVar variation 529254 (VCV000529254.16), dbSNP rs372910621, ClinGen allele CA2023216.

ClinVar aggregate classification (germline): Conflicting classifications of pathogenicity. Review status: criteria provided, conflicting classifications (1 of 4 stars). 3 submissions from 3 submitters: Uncertain significance (2); Likely benign (1). Last evaluated 2025-12-17.

Conditions:
Ehlers-Danlos syndrome, classic type, 1 (EDSCL1). Also called: Ehlers-Danlos Syndrome, Classic Type, COL5A1-Related; EDS I; Ehlers-Danlos syndrome, type 1; EHLERS-DANLOS SYNDROME, GRAVIS TYPE; EHLERS-DANLOS SYNDROME, SEVERE CLASSIC TYPE. Identifiers: MedGen C0268335, MONDO:0019567, OMIM 130000.
Familial thoracic aortic aneurysm and aortic dissection (TAAD). Also called: Thoracic aortic aneurysms and dissections. Identifiers: Orphanet 91387, MedGen C4707243, MONDO:0019625.

Allele frequency attached by ClinVar (database versions not stated): ESP Exome Variant Server 0.00008; TOPMed 0.00002.

Submissions (3):

GeneDx
Classification: Uncertain significance. Last evaluated: 2025-12-17. Review status: criteria provided, single submitter. Criteria: GeneDx Variant Classification Process June 2021. Collection method: clinical testing. Allele origin: germline. Affected: yes.
Comment: Has not been previously published as pathogenic or benign to our knowledge; Not observed at significant frequency in large population cohorts (gnomAD); In silico analysis suggests that this missense variant does not alter protein structure/function; Not located in the triple helical region, where the majority of pathogenic missense variants occur (PMID: 22696272; HGMD); This variant is associated with the following publications: (PMID: 22696272)

Labcorp Genetics (formerly Invitae), Labcorp
Classification: Likely benign for Ehlers-Danlos syndrome, classic type, 1. Last evaluated: 2025-10-10. Review status: criteria provided, single submitter. Criteria: Invitae Variant Classification Sherloc (09022015). Collection method: clinical testing. Allele origin: germline.

Ambry Genetics
Classification: Uncertain significance for Familial thoracic aortic aneurysm and aortic dissection. Last evaluated: 2019-09-11. Review status: criteria provided, single submitter. Criteria: Ambry Variant Classification Scheme 2023. Collection method: clinical testing. Allele origin: germline.
Comment: The p.A6S variant (also known as c.16G>T), located in coding exon 1 of the COL5A2 gene, results from a G to T substitution at nucleotide position 16. The alanine at codon 6 is replaced by serine, an amino acid with similar properties. This amino acid position is poorly conserved in available vertebrate species. In addition, this alteration is predicted to be tolerated by in silico analysis. Since supporting evidence is limited at this time, the clinical significance of this alteration remains unclear.